The following is an entry in ClinVar:

ClinVar aggregate classification (germline): Uncertain significance. Review status: criteria provided, multiple submitters, no conflicts (2 of 4 stars). 2 submissions from 2 submitters: Uncertain significance (2). Last evaluated 2024-02-24.

Conditions:
KANK1-related disorder. Also called: KANK1-related condition.

Submissions (2):

Labcorp Genetics (formerly Invitae), Labcorp
Classification: Uncertain significance. Last evaluated: 2024-02-24. Review status: criteria provided, single submitter. Criteria: Invitae Variant Classification Sherloc (09022015). Collection method: clinical testing. Allele origin: germline.
Comment: This variant, c.3554_3556dup, results in the insertion of 1 amino acid(s) of the KANK1 protein (p.Asp1185dup), but otherwise preserves the integrity of the reading frame. This variant is present in population databases (no rsID available, gnomAD 0.004%). This variant has not been reported in the literature in individuals affected with KANK1-related conditions. ClinVar contains an entry for this variant (Variation ID: 2636811). Algorithms developed to predict the effect of sequence changes on RNA splicing suggest that this variant may disrupt the consensus splice site. In summary, the available evidence is currently insufficient to determine the role of this variant in disease. Therefore, it has been classified as a Variant of Uncertain Significance.

PreventionGenetics, part of Exact Sciences
Classification: Uncertain significance for KANK1-related condition. Last evaluated: 2022-12-19. Review status: criteria provided, single submitter. Criteria: ACMG Guidelines, 2015. Collection method: clinical testing. Allele origin: germline.
Comment: The KANK1 c.3554_3556dupATG variant is predicted to result in an in-frame duplication (p.Asp1185dup). To our knowledge, this variant has not been reported in the literature. This variant is reported in 0.0037% of alleles in individuals of Latino descent in gnomAD. At this time, the clinical significance of this variant is uncertain due to the absence of conclusive functional and genetic evidence.

NM_015158.5(KANK1):c.3554_3556dup

Gene: KANK1 (KN motif and ankyrin repeat domains 1; plus strand). Cytogenetic location: 9p24.3.
Variant type: Duplication.
Coding change: c.3554_3556dup on transcript NM_015158.5 (MANE Select); coding-DNA positions 3554 to 3556, 3 bases duplicated (ATG; older notation c.3554_3556dupATG).
Molecular consequence: splice acceptor variant.
Genome position (GRCh38, 1-based): chr9:740,792-740,794, ATG duplicated; duplicating any 3 consecutive bases within chr9:740,791-740,794 gives the same sequence; the c. name uses the placement nearest the transcript's 3' end. VCF-style (leftmost placement, unchanged base first): chr9-740790-A-AGAT. GRCh37 (hg19) VCF-style: chr9-740790-A-AGAT.
Identifiers: ClinVar variation 1345548 (VCV001345548.6), dbSNP rs1215545446, ClinGen allele CA585881599.